The following is an entry in ClinVar:

NM_014141.6(CNTNAP2):c.2046C>T (p.Cys682=)

Gene: CNTNAP2 (contactin associated protein 2; plus strand). Cytogenetic location: 7q35.
Variant type: single nucleotide variant.
Coding change: c.2046C>T on transcript NM_014141.6 (MANE Select); coding-DNA position 2046, C replaced by T.
Protein change: p.Cys682=; no amino-acid change (cysteine 682 retained).
Molecular consequence: synonymous variant.
Genome position (GRCh38, 1-based): chr7:147,639,254, C>T. VCF-style: chr7-147639254-C-T. GRCh37 (hg19) VCF-style: chr7-147336346-C-T.
Other names: p.C682C:TGC>TGT.
Identifiers: ClinVar variation 205219 (VCV000205219.20), dbSNP rs201076428, ClinGen allele CA314076.

ClinVar aggregate classification (germline): Likely benign. Review status: criteria provided, multiple submitters, no conflicts (2 of 4 stars). 6 submissions from 6 submitters: Likely benign (5). 1 of the submissions does not count toward it. Last evaluated 2026-05-01.

Conditions:
CNTNAP2-related disorder. Also called: CNTNAP2-related condition.
Cortical dysplasia-focal epilepsy syndrome (PTHSL1). Also called: Pitt-Hopkins-like syndrome 1. Identifiers: Orphanet 163681, Orphanet 221150, MedGen C2750246, MONDO:0012400, OMIM 610042.

Allele frequency attached by ClinVar (database versions not stated): TOPMed 0.00002; gnomAD 0.00003.
gnomAD v4.1: 33 of 1,613,984 alleles (0.002%); highest among the groups gnomAD compares: Admixed American, 0.013%; no homozygotes.

Submissions (6):

CeGaT Center for Human Genetics Tuebingen
Classification: Likely benign. Last evaluated: 2026-05-01. Review status: criteria provided, single submitter. Criteria: CeGaT Center For Human Genetics Tuebingen Variant Classification Criteria Version 2. Collection method: clinical testing. Allele origin: germline. Affected: yes. Observed: 1 variant allele.
Comment: CNTNAP2: BP4, BP7

Labcorp Genetics (formerly Invitae), Labcorp
Classification: Likely benign for Cortical dysplasia-focal epilepsy syndrome. Last evaluated: 2025-12-05. Review status: criteria provided, single submitter. Criteria: Invitae Variant Classification Sherloc (09022015). Collection method: clinical testing. Allele origin: germline.

Women's Health and Genetics/Laboratory Corporation of America, LabCorp
Classification: Likely benign. Last evaluated: 2025-07-29. Review status: criteria provided, single submitter. Criteria: LabCorp Variant Classification Summary - May 2015. Collection method: clinical testing. Allele origin: germline.

Blueprint Genetics
Classification: Likely benign. Last evaluated: 2022-07-08. Review status: criteria provided, single submitter. Criteria: ACMG Guidelines, 2015. Collection method: clinical testing. Allele origin: germline.

GeneDx
Classification: Likely benign. Last evaluated: 2020-01-28. Review status: criteria provided, single submitter. Criteria: GeneDx Variant Classification Process June 2021. Collection method: clinical testing. Allele origin: germline. Affected: yes.

PreventionGenetics, part of Exact Sciences
Classification: Likely benign for CNTNAP2-related condition. Last evaluated: 2019-05-10. Review status: no assertion criteria provided. Collection method: clinical testing. Allele origin: germline. Not counted in ClinVar's aggregate classification.
Comment: This variant is classified as likely benign based on ACMG/AMP sequence variant interpretation guidelines (Richards et al. 2015 PMID: 25741868, with internal and published modifications).